The following is an entry in ClinVar:

NM_012418.4(FSCN2):c.1274-6C>T

Gene: FSCN2 (fascin actin-bundling protein 2, retinal; plus strand). Cytogenetic location: 17q25.3.
Variant type: single nucleotide variant.
Coding change: c.1274-6C>T on transcript NM_012418.4 (MANE Select); 6 bases into the intron before coding-DNA position 1274, C replaced by T.
Molecular consequence: intron variant.
Genome position (GRCh38, 1-based): chr17:81,536,869, C>T. VCF-style: chr17-81536869-C-T. GRCh37 (hg19) VCF-style: chr17-79503895-C-T.
Other names: c.1346-6C>T (NM_001077182.2, NM_001077182.3).
Identifiers: ClinVar variation 594790 (VCV000594790.14), dbSNP rs1048819854, ClinGen allele CA295085665.

ClinVar aggregate classification (germline): Conflicting classifications of pathogenicity. Review status: criteria provided, conflicting classifications (1 of 4 stars). 3 submissions from 3 submitters: Uncertain significance (1); Likely benign (1). 1 of the submissions does not count toward it. Last evaluated 2025-05-19.

Conditions:
FSCN2-related disorder. Also called: FSCN2-related condition.

Allele frequency attached by ClinVar (database versions not stated): gnomAD 0.00001; gnomAD exomes 0.00001; TOPMed 0.00001.
gnomAD v4.1: 49 of 1,566,290 alleles (0.0031%); highest among the groups gnomAD compares: Non-Finnish European, 0.0039%; no homozygotes.

Submissions (3):

Labcorp Genetics (formerly Invitae), Labcorp
Classification: Likely benign. Last evaluated: 2025-05-19. Review status: criteria provided, single submitter. Criteria: Invitae Variant Classification Sherloc (09022015). Collection method: clinical testing. Allele origin: germline.

Eurofins Ntd Llc (ga)
Classification: Uncertain significance. Last evaluated: 2017-11-16. Review status: criteria provided, single submitter. Criteria: EGL Classification Definitions 2015. Collection method: clinical testing. Allele origin: germline. Observed: 1 variant allele, 1 heterozygote.

PreventionGenetics, part of Exact Sciences
Classification: Likely benign for FSCN2-related condition. Last evaluated: 2019-03-25. Review status: no assertion criteria provided. Collection method: clinical testing. Allele origin: germline. Not counted in ClinVar's aggregate classification.
Comment: This variant is classified as likely benign based on ACMG/AMP sequence variant interpretation guidelines (Richards et al. 2015 PMID: 25741868, with internal and published modifications).